The following is an entry in ClinVar:

NM_004369.4(COL6A3):c.8358C>T (p.Phe2786=)

Gene: COL6A3 (collagen type VI alpha 3 chain; minus strand). Cytogenetic location: 2q37.3.
Variant type: single nucleotide variant.
Coding change: c.8358C>T on transcript NM_004369.4 (MANE Select); coding-DNA position 8358, C replaced by T.
Protein change: p.Phe2786=; no amino-acid change (phenylalanine 2786 retained).
Molecular consequence: synonymous variant.
Genome position (GRCh38, 1-based): chr2:237,340,558, G>A on the plus strand (C>T on the coding strand, the complement: COL6A3 is on the minus strand). VCF-style: chr2-237340558-G-A. GRCh37 (hg19) VCF-style: chr2-238249201-G-A.
Other names: c.6537C>T, p.Phe2179= (NM_057166.5); c.7740C>T, p.Phe2580= (NM_057167.4).
Identifiers: ClinVar variation 767534 (VCV000767534.34), dbSNP rs113423040, ClinGen allele CA2187572.

ClinVar aggregate classification (germline): Likely benign. Review status: criteria provided, multiple submitters, no conflicts (2 of 4 stars). 3 submissions from 3 submitters: Likely benign (2). 1 of the submissions does not count toward it. Last evaluated 2025-10-04.

Conditions:
Bethlem myopathy 1A. Also called: Bethlem myopathy 1; MYOPATHY, BENIGN CONGENITAL, WITH CONTRACTURES; Bethlem Muscular Dystrophy. Identifiers: Orphanet 610, MedGen CN029274, MONDO:0024530, OMIM 158810.
COL6A3-related disorder. Also called: COL6A3-related disorders; COL6A3-related condition.

Allele frequency attached by ClinVar (database versions not stated): gnomAD 0.00002; ExAC 0.00003; gnomAD exomes 0.00003 and 0.00004; TOPMed 0.00003.
gnomAD v4.1: 61 of 1,614,054 alleles (0.0038%); highest among the groups gnomAD compares: Middle Eastern, 0.099%; no homozygotes.

Submissions (3):

Labcorp Genetics (formerly Invitae), Labcorp
Classification: Likely benign for Bethlem myopathy 1A. Last evaluated: 2025-10-04. Review status: criteria provided, single submitter. Criteria: Invitae Variant Classification Sherloc (09022015). Collection method: clinical testing. Allele origin: germline.

CeGaT Center for Human Genetics Tuebingen
Classification: Likely benign. Last evaluated: 2024-02-01. Review status: criteria provided, single submitter. Criteria: CeGaT Center For Human Genetics Tuebingen Variant Classification Criteria Version 2. Collection method: clinical testing. Allele origin: germline. Affected: yes. Observed: 1 variant allele.
Comment: COL6A3: BP4, BP7

PreventionGenetics, part of Exact Sciences
Classification: Likely benign for COL6A3-related condition. Last evaluated: 2021-10-05. Review status: no assertion criteria provided. Collection method: clinical testing. Allele origin: germline. Not counted in ClinVar's aggregate classification.
Comment: This variant is classified as likely benign based on ACMG/AMP sequence variant interpretation guidelines (Richards et al. 2015 PMID: 25741868, with internal and published modifications).